The following is an entry in ClinVar:

NM_004260.4(RECQL4):c.2075T>C (p.Leu692Pro)

Gene: RECQL4 (RecQ like helicase 4; minus strand). Cytogenetic location: 8q24.3.
Variant type: single nucleotide variant.
Coding change: c.2075T>C on transcript NM_004260.4 (MANE Select); coding-DNA position 2075, T replaced by C.
Protein change: p.Leu692Pro; replaces leucine 692 with proline.
Molecular consequence: missense variant. On other transcripts: non-coding transcript variant (2).
Genome position (GRCh38, 1-based): chr8:144,513,696, A>G on the plus strand (T>C on the coding strand, the complement: RECQL4 is on the minus strand). VCF-style: chr8-144513696-A-G. GRCh37 (hg19) VCF-style: chr8-145739080-A-G.
Other names: c.938T>C, p.Leu313Pro (NM_001413030.1, NM_001413032.1, NM_001413027.1 and 1 more transcripts); c.806T>C, p.Leu269Pro (NM_001413031.1); c.1943T>C, p.Leu648Pro (NM_001413033.1); c.1004T>C, p.Leu335Pro (NM_001413034.1, NM_001413035.1, NM_001413021.1 and 6 more transcripts); c.2075T>C, p.Leu692Pro (NM_001413036.1, NM_001413018.1, NM_001413019.1); c.1979T>C, p.Leu660Pro (NM_001413020.1, NM_001413017.1); c.1946T>C, p.Leu649Pro (NM_001413025.1); c.1724T>C, p.Leu575Pro (NM_001413029.1); and 4 more; short protein forms L203P, L269P, L291P, L313P, L325P, L335P, L575P, L648P.
Identifiers: ClinVar variation 4863145 (VCV004863145.1).
Genomic context (GRCh38, chr8:144,513,696, plus strand): 5'-TCCTCGCGCCGGTTGCAGTAAATGATAATGGAATCGAGGTTTTGAAAACGTTTGCCTTGC[A>G]GCAGCGTCAACAGTGCCTGATGAGGAGCGGTTGGCGTGGGCAGTGGGGAGTGAGGAGGGG-3'
Protein context (NP_004251.4, residues 682-702): RDTDQALLTL[Leu692Pro]QGKRFQNLDS

ClinVar aggregate classification (germline): Uncertain significance (1 of 4 stars; one submission).

Conditions:
Inborn genetic diseases. Identifiers: MedGen C0950123, MeSH D030342.

gnomAD v4.1: 7 of 1,549,692 alleles (0.00045%); highest among the groups gnomAD compares: East Asian, 0.0024%; no homozygotes.

Submission:

Ambry Genetics
Classification: Uncertain significance for Inborn genetic diseases. Last evaluated: 2026-03-23. Review status: criteria provided, single submitter. Criteria: Ambry Variant Classification Scheme 2023. Collection method: clinical testing. Allele origin: germline.
Comment: The p.L692P variant (also known as c.2075T>C), located in coding exon 13 of the RECQL4 gene, results from a T to C substitution at nucleotide position 2075. The leucine at codon 692 is replaced by proline, an amino acid with similar properties. This amino acid position is conserved. In addition, this alteration is predicted to be deleterious by in silico analysis. Based on the available evidence, the clinical significance of this variant remains unclear.